The following is an entry in ClinVar:

ClinVar aggregate classification (germline): Pathogenic (1 of 4 stars; one submission).

Conditions:
Lynch syndrome 5 (LYNCH5). Also called: Colorectal cancer, hereditary nonpolyposis, type 5; Hereditary non-polyposis colorectal cancer, type 5. Identifiers: Orphanet 144, MedGen C1833477, MONDO:0013710, OMIM 614350. Disease mechanism: loss of function.

Submission:

Myriad Genetics, Inc.
Classification: Pathogenic for Lynch syndrome 5. Last evaluated: 2023-08-22. Review status: criteria provided, single submitter. Criteria: Myriad Autosomal Dominant, Autosomal Recessive and X-Linked Classification Criteria (2023). Collection method: clinical testing. Allele origin: unknown.
Comment: This variant is considered pathogenic. This variant creates a frameshift predicted to result in premature protein truncation.

NM_000179.3(MSH6):c.3306_3307delinsA (p.Phe1104fs)

Gene: MSH6 (mutS homolog 6; plus strand). Cytogenetic location: 2p16.3.
Variant type: Indel.
Coding change: c.3306_3307delinsA on transcript NM_000179.3 (MANE Select); coding-DNA positions 3306 to 3307, TT replaced by A.
Protein change: p.Phe1104fs; shifts the reading frame from phenylalanine 1104.
Molecular consequence: frameshift variant. On other transcripts: non-coding transcript variant (5), intron variant (1).
Genome position (GRCh38, 1-based): chr2:47,803,553-47,803,554, TT replaced by A. VCF-style: chr2-47803553-TT-A. GRCh37 (hg19) VCF-style: chr2-48030692-TT-A.
Other names: c.2916_2917delinsA, p.Phe974fs (NM_001281492.2); c.2400_2401delinsA, p.Phe802fs (NM_001281493.2, NM_001281494.2, NM_001406811.1 and 6 more transcripts); c.3402_3403delinsA, p.Phe1136fs (NM_001406795.1, NM_001406802.1); c.3306_3307delinsA, p.Phe1104fs (NM_001406796.1, NM_001406800.1, NM_001406808.1 and 1 more transcripts); c.3009_3010delinsA, p.Phe1005fs (NM_001406797.1, NM_001406801.1, NM_001406805.1 and 10 more transcripts); c.2781_2782delinsA, p.Phe929fs (NM_001406799.1, NM_001406806.1, NM_001406807.1); c.2442_2443delinsA, p.Phe816fs (NM_001406803.1); c.3228_3229delinsA, p.Phe1078fs (NM_001406804.1); and 7 more; short protein forms F1005fs, F1048fs, F1078fs, F1104fs, F1106fs, F1136fs, F31fs, F419fs.
Identifiers: ClinVar variation 2673663 (VCV002673663.1), dbSNP rs2530767100, ClinGen allele CA2695200535.